The following is an entry in ClinVar:

NM_000320.3(QDPR):c.48C>G (p.Tyr16Ter)

Genes: QDPR (quinoid dihydropteridine reductase; minus strand), LOC129992304 (ATAC-STARR-seq lymphoblastoid silent region 15310; plus strand). Cytogenetic location: 4p15.32.
Variant type: single nucleotide variant.
Coding change: c.48C>G on transcript NM_000320.3 (MANE Select); coding-DNA position 48, C replaced by G.
Protein change: p.Tyr16Ter; replaces tyrosine 16 with a stop codon.
Molecular consequence: nonsense. On other transcripts: non-coding transcript variant (1).
Genome position (GRCh38, 1-based): chr4:17,512,007, G>C on the plus strand (C>G on the coding strand, the complement: QDPR is on the minus strand). VCF-style: chr4-17512007-G-C. GRCh37 (hg19) VCF-style: chr4-17513630-G-C.
Other names: c.48C>G, p.Tyr16Ter (NM_001306140.2); short protein forms Y16*.
Identifiers: ClinVar variation 567509 (VCV000567509.7), dbSNP rs1171544975, ClinGen allele CA356454422.

ClinVar aggregate classification (germline): Pathogenic (1 of 4 stars; one submission).

Conditions:
Dihydropteridine reductase deficiency (HPABH4C). Also called: Hyperphenylalaninemia due to dihydropteridine reductase deficiency; Hyperphenylalaninemia, BH-4-deficient, C; Phenylketonuria type 2; Phenylketonuria II; BH4-Deficient Hyperphenylalaninemia C; HYPERPHENYLALANINEMIA, TETRAHYDROBIOPTERIN-DEFICIENT, DUE TO DHPR DEFICIENCY. Identifiers: Orphanet 226, Orphanet 238583, MedGen C0268465, MONDO:0009862, OMIM 261630.

Allele frequency attached by ClinVar (database versions not stated): gnomAD exomes below 0.00001.
gnomAD v4.1: 3 of 1,609,444 alleles (0.00019%); highest among the groups gnomAD compares: Non-Finnish European, 0.00025%; no homozygotes.

Submission:

Labcorp Genetics (formerly Invitae), Labcorp
Classification: Pathogenic for Dihydropteridine reductase deficiency. Last evaluated: 2022-04-11. Review status: criteria provided, single submitter. Criteria: Invitae Variant Classification Sherloc (09022015). Collection method: clinical testing. Allele origin: germline.
Comment: For these reasons, this variant has been classified as Pathogenic. Algorithms developed to predict the effect of sequence changes on RNA splicing suggest that this variant may create or strengthen a splice site. ClinVar contains an entry for this variant (Variation ID: 567509). This variant has not been reported in the literature in individuals affected with QDPR-related conditions. This variant is not present in population databases (gnomAD no frequency). This sequence change creates a premature translational stop signal (p.Tyr16*) in the QDPR gene. It is expected to result in an absent or disrupted protein product. Loss-of-function variants in QDPR are known to be pathogenic (PMID: 7627180, 11153907).

Literature cited by the submitters: PubMed 7627180; PubMed 11153907.